The following is an entry in ClinVar:

ClinVar aggregate classification (germline): Uncertain significance. Review status: criteria provided, multiple submitters, no conflicts (2 of 4 stars). 2 submissions from 2 submitters: Uncertain significance (2). Last evaluated 2025-08-29.

Allele frequency attached by ClinVar (database versions not stated): TOPMed 0.00001; gnomAD 0.00002.
gnomAD v4.1: 26 of 1,613,886 alleles (0.0016%); highest among the groups gnomAD compares: Non-Finnish European, 0.002%; no homozygotes.

Submissions (2):

Ambry Genetics
Classification: Uncertain significance. Last evaluated: 2025-08-29. Review status: criteria provided, single submitter. Criteria: Ambry Variant Classification Scheme 2023. Collection method: clinical testing. Allele origin: germline.

Labcorp Genetics (formerly Invitae), Labcorp
Classification: Uncertain significance. Last evaluated: 2022-10-02. Review status: criteria provided, single submitter. Criteria: Invitae Variant Classification Sherloc (09022015). Collection method: clinical testing. Allele origin: germline.
Comment: This sequence change replaces glutamic acid, which is acidic and polar, with aspartic acid, which is acidic and polar, at codon 203 of the RINT1 protein (p.Glu203Asp). This variant is not present in population databases (gnomAD no frequency). This variant has not been reported in the literature in individuals affected with RINT1-related conditions. Algorithms developed to predict the effect of missense changes on protein structure and function output the following: SIFT: "Tolerated"; PolyPhen-2: "Benign"; Align-GVGD: "Class C0". The aspartic acid amino acid residue is found in multiple mammalian species, which suggests that this missense change does not adversely affect protein function. In summary, the available evidence is currently insufficient to determine the role of this variant in disease. Therefore, it has been classified as a Variant of Uncertain Significance.

NM_021930.6(RINT1):c.609A>T (p.Glu203Asp)

Gene: RINT1 (RAD50 interactor 1; plus strand). Cytogenetic location: 7q22.3.
Variant type: single nucleotide variant.
Coding change: c.609A>T on transcript NM_021930.6 (MANE Select); coding-DNA position 609, A replaced by T.
Protein change: p.Glu203Asp; replaces glutamic acid 203 with aspartic acid.
Molecular consequence: missense variant. On other transcripts: 5 prime UTR variant (2), non-coding transcript variant (1), intron variant (1).
Genome position (GRCh38, 1-based): chr7:105,547,003, A>T. VCF-style: chr7-105547003-A-T. GRCh37 (hg19) VCF-style: chr7-105187450-A-T.
Other names: c.375A>T, p.Glu125Asp (NM_001346599.2); c.-411A>T (NM_001346600.2); c.-314A>T (NM_001346601.2); c.-27-3052A>T (NM_001346603.2); short protein forms E203D, E125D.
Identifiers: ClinVar variation 1751555 (VCV001751555.6), dbSNP rs1330918441, ClinGen allele CA368805537.